The following is an entry in ClinVar:

NM_005245.4(FAT1):c.6900G>A (p.Thr2300=)

Gene: FAT1 (FAT atypical cadherin 1; minus strand). Cytogenetic location: 4q35.2.
Variant type: single nucleotide variant.
Coding change: c.6900G>A on transcript NM_005245.4 (MANE Select); coding-DNA position 6900, G replaced by A.
Protein change: p.Thr2300=; no amino-acid change (threonine 2300 retained).
Molecular consequence: synonymous variant.
Genome position (GRCh38, 1-based): chr4:186,619,686, C>T on the plus strand (G>A on the coding strand, the complement: FAT1 is on the minus strand). VCF-style: chr4-186619686-C-T. GRCh37 (hg19) VCF-style: chr4-187540840-C-T.
Identifiers: ClinVar variation 3048630 (VCV003048630.2), dbSNP rs775680484, ClinGen allele CA3166158.

ClinVar aggregate classification (germline): Likely benign (0 of 4 stars; one submission).

Conditions:
FAT1-related disorder. Also called: FAT1-related condition.

Allele frequency attached by ClinVar (database versions not stated): gnomAD exomes below 0.00001; ExAC 0.00001; TOPMed 0.00001; gnomAD 0.00002.
gnomAD v4.1: 5 of 1,613,864 alleles (0.00031%); highest among the groups gnomAD compares: African/African-American, 0.004%; no homozygotes.

Submission:

PreventionGenetics, part of Exact Sciences
Classification: Likely benign for FAT1-related condition. Last evaluated: 2019-12-16. Review status: no assertion criteria provided. Collection method: clinical testing. Allele origin: germline.
Comment: This variant is classified as likely benign based on ACMG/AMP sequence variant interpretation guidelines (Richards et al. 2015 PMID: 25741868, with internal and published modifications).